The following is an entry in ClinVar:

NM_001370259.2(MEN1):c.378del (p.Ile125_Trp126insTer)

Gene: MEN1 (menin 1; minus strand). Cytogenetic location: 11q13.1.
Variant type: Deletion.
Coding change: c.378del on transcript NM_001370259.2 (MANE Select); coding-DNA position 378, one base deleted (G; older notation c.378delG).
Protein change: p.Ile125_Trp126insTer.
Molecular consequence: nonsense.
Genome position (GRCh38, 1-based): chr11:64,809,732, C deleted on the plus strand (G on the coding strand, the reverse complement: MEN1 is on the minus strand); the first of 2 consecutive C bases (chr11:64,809,732-64,809,733); deleting either gives the same sequence. VCF-style (leftmost placement, unchanged base first): chr11-64809731-TC-T. GRCh37 (hg19) VCF-style: chr11-64577203-TC-T.
Other names: c.378delG (NM_130799.2); c.378del, p.Ile125_Trp126insTer (NM_000244.4, NM_001370251.2, NM_001370260.2 and 9 more transcripts).
Identifiers: ClinVar variation 428030 (VCV000428030.4), dbSNP rs1114167492, ClinGen allele CA475163318.

ClinVar aggregate classification (germline): Pathogenic (1 of 4 stars; one submission).

Conditions:
Hereditary cancer-predisposing syndrome. Also called: Hereditary Cancer Syndrome; Neoplastic Syndromes, Hereditary; Hereditary neoplastic syndrome; Tumor predisposition. Identifiers: Orphanet 140162, MedGen C0027672, MeSH D009386, MONDO:0015356.

Submission:

Ambry Genetics
Classification: Pathogenic for Hereditary cancer-predisposing syndrome. Last evaluated: 2014-02-04. Review status: criteria provided, single submitter. Criteria: Ambry Autosomal Dominant and X-Linked criteria (10/2015). Collection method: clinical testing. Allele origin: germline. Observed: 1 variant allele.
Comment: Ã¢â‚¬â€¹The c.378delG pathogenic mutation, located in coding exon 1 of the MEN1 gene, results from a deletion of one nucleotide at position 378, causing a translational frameshift with a predicted alternate stop codon. Since frameshifts are typically deleterious in nature, this alteration is interpreted as a disease-causing mutation (ACMG Recommendations for Standards for Interpretation and Reporting of Sequence Variations. Revision 2007. Genet Med. 2008;10:294).